The following is an entry in ClinVar:

ClinVar aggregate classification (germline): Pathogenic (1 of 4 stars; one submission).

Allele frequency attached by ClinVar (database versions not stated): gnomAD exomes below 0.00001.
gnomAD v4.1: 7 of 1,613,416 alleles (0.00043%); highest among the groups gnomAD compares: Non-Finnish European, 0.00059%; no homozygotes.

Submission:

CeGaT Center for Human Genetics Tuebingen
Classification: Pathogenic. Last evaluated: 2025-05-01. Review status: criteria provided, single submitter. Criteria: CeGaT Center For Human Genetics Tuebingen Variant Classification Criteria Version 2. Collection method: clinical testing. Allele origin: germline. Affected: yes. Observed: 3 variant alleles.
Comment: ERLIN2: PVS1, PM2

NM_007175.8(ERLIN2):c.237-1G>A

Gene: ERLIN2 (ER lipid raft associated 2; plus strand). Cytogenetic location: 8p11.23.
Variant type: single nucleotide variant.
Coding change: c.237-1G>A on transcript NM_007175.8 (MANE Select); the canonical splice acceptor site of the intron before coding-DNA position 237, G replaced by A.
Molecular consequence: splice acceptor variant.
Genome position (GRCh38, 1-based): chr8:37,744,354, G>A. VCF-style: chr8-37744354-G-A. GRCh37 (hg19) VCF-style: chr8-37601872-G-A.
Other names: c.237-1G>A (NM_001362878.2, NM_001362880.2, NM_001003790.4 and 1 more transcripts).
Identifiers: ClinVar variation 374613 (VCV000374613.44), dbSNP rs1057519172, ClinGen allele CA16043816.